The following is an entry in ClinVar:

ClinVar aggregate classification (germline): Uncertain significance (1 of 4 stars; one submission).

Conditions:
Inborn genetic diseases. Identifiers: MedGen C0950123, MeSH D030342.

gnomAD v4.1: 2 of 1,614,120 alleles (0.00012%); highest among the groups gnomAD compares: Non-Finnish European, 0.00017%; no homozygotes.

Submission:

Ambry Genetics
Classification: Uncertain significance for Inborn genetic diseases. Last evaluated: 2025-02-16. Review status: criteria provided, single submitter. Criteria: Ambry Variant Classification Scheme 2023. Collection method: clinical testing. Allele origin: germline.
Comment: The p.G514V variant (also known as c.1541G>T), located in coding exon 8 of the MECOM gene, results from a G to T substitution at nucleotide position 1541. The glycine at codon 514 is replaced by valine, an amino acid with dissimilar properties. This amino acid position is conserved. In addition, the in silico prediction for this alteration is inconclusive. Based on the available evidence, the clinical significance of this variant remains unclear.

NM_004991.4(MECOM):c.1541G>T (p.Gly514Val)

Gene: MECOM (MDS1 and EVI1 complex locus; minus strand). Cytogenetic location: 3q26.2.
Variant type: single nucleotide variant.
Coding change: c.1541G>T on transcript NM_004991.4 (MANE Select); coding-DNA position 1541, G replaced by T.
Protein change: p.Gly514Val; replaces glycine 514 with valine.
Molecular consequence: missense variant. On other transcripts: intron variant (2).
Genome position (GRCh38, 1-based): chr3:169,116,331, C>A on the plus strand (G>T on the coding strand, the complement: MECOM is on the minus strand). VCF-style: chr3-169116331-C-A. GRCh37 (hg19) VCF-style: chr3-168834119-C-A.
Other names: c.1172G>T, p.Gly391Val (NM_001105077.4); c.977G>T, p.Gly326Val (NM_001105078.4, NM_001164000.2, NM_001205194.2 and 4 more transcripts); c.980G>T, p.Gly327Val (NM_001163999.2, NM_001366467.2, NM_001366468.2 and 1 more transcripts); c.1541G>T, p.Gly514Val (NM_001366466.2); c.1133-564G>T (NM_001366473.2); c.569-564G>T (NM_001366474.2); short protein forms G327V, G326V, G391V, G514V.
Identifiers: ClinVar variation 3871841 (VCV003871841.1).